The following is an entry in ClinVar:

NM_001281740.3(FHOD3):c.569A>G (p.Glu190Gly)

Gene: FHOD3 (formin homology 2 domain containing 3; plus strand). Cytogenetic location: 18q12.2.
Variant type: single nucleotide variant.
Coding change: c.569A>G on transcript NM_001281740.3 (MANE Select); coding-DNA position 569, A replaced by G.
Protein change: p.Glu190Gly; replaces glutamic acid 190 with glycine.
Molecular consequence: missense variant.
Genome position (GRCh38, 1-based): chr18:36,576,508, A>G. VCF-style: chr18-36576508-A-G. GRCh37 (hg19) VCF-style: chr18-34156471-A-G.
Other names: c.569A>G, p.Glu190Gly (NM_001281739.3, NM_025135.5); short protein forms E190G.
Identifiers: ClinVar variation 4071707 (VCV004071707.1).

ClinVar aggregate classification (germline): Uncertain significance (1 of 4 stars; one submission).

gnomAD v4.1: 1 of 1,613,900 alleles (0.000062%); highest among the groups gnomAD compares: Non-Finnish European, 0.000085%; no homozygotes.

Submission:

GeneDx
Classification: Uncertain significance. Last evaluated: 2025-01-22. Review status: criteria provided, single submitter. Criteria: GeneDx Variant Classification Process June 2021. Collection method: clinical testing. Allele origin: germline. Affected: yes.
Comment: Not observed at significant frequency in large population cohorts (gnomAD); In silico analysis supports that this missense variant has a deleterious effect on protein structure/function; Has not been previously published as pathogenic or benign to our knowledge